The following is an entry in ClinVar:

NM_001042432.2(CLN3):c.647T>A (p.Met216Lys)

Gene: CLN3 (CLN3 lysosomal/endosomal transmembrane protein, battenin; minus strand). Cytogenetic location: 16p12.1.
Variant type: single nucleotide variant.
Coding change: c.647T>A on transcript NM_001042432.2 (MANE Select); coding-DNA position 647, T replaced by A.
Protein change: p.Met216Lys; replaces methionine 216 with lysine.
Molecular consequence: missense variant.
Genome position (GRCh38, 1-based): chr16:28,486,377, A>T on the plus strand (T>A on the coding strand, the complement: CLN3 is on the minus strand). VCF-style: chr16-28486377-A-T. GRCh37 (hg19) VCF-style: chr16-28497698-A-T.
Other names: c.647T>A, p.Met216Lys (NM_000086.2); c.575T>A, p.Met192Lys (NM_001286104.2); c.347T>A, p.Met116Lys (NM_001286105.2); c.413T>A, p.Met138Lys (NM_001286109.2); c.485T>A, p.Met162Lys (NM_001286110.2); short protein forms M116K, M138K, M162K, M192K, M216K.
Identifiers: ClinVar variation 1004067 (VCV001004067.9), dbSNP rs773602052, ClinGen allele CA7980872.

ClinVar aggregate classification (germline): Conflicting classifications of pathogenicity. Review status: criteria provided, conflicting classifications (1 of 4 stars). 4 submissions from 4 submitters: Likely pathogenic (2); Uncertain significance (2). Last evaluated 2026-08-20.

Conditions:
CLN3-related disorders.
Neuronal ceroid lipofuscinosis. Also called: Neuronal Ceroid Lipofuscinoses. Identifiers: Orphanet 216, Orphanet 79263, MedGen C0027877, MONDO:0016295. Disease mechanism: loss of function.
Neuronal ceroid lipofuscinosis 3 (CLN3). Identifiers: Orphanet 228346, MedGen C0751383, MONDO:0008767, OMIM 204200.

Allele frequency attached by ClinVar (database versions not stated): ExAC 0.00001; gnomAD exomes 0.00001; TOPMed 0.00001.
gnomAD v4.1: 18 of 1,612,820 alleles (0.0011%); highest among the groups gnomAD compares: Non-Finnish European, 0.0014%; no homozygotes.

Submissions (4):

Myriad Genetics, Inc.
Classification: Uncertain significance for Neuronal ceroid lipofuscinosis 3. Last evaluated: 2026-08-20. Review status: criteria provided, single submitter. Criteria: Myriad Autosomal Dominant, Autosomal Recessive and X-Linked Classification Criteria (2023). Collection method: clinical testing. Allele origin: unknown.
Comment: NM_001042432.1(CLN3):c.647T>A(M216K) is a missense variant classified as a variant of uncertain significance in the context of CLN3-related disorders. M216K has been observed in a case with relevant disease (PMID: 38219857). Relevant functional assessments of this variant are not available in the literature. M216K has been observed in referenced population frequency databases. In summary, there is insufficient evidence to classify NM_001042432.1(CLN3):c.647T>A(M216K) as pathogenic or benign. Please note: this variant was assessed in the context of healthy population screening.

Variantyx, Inc.
Classification: Likely pathogenic for Neuronal ceroid lipofuscinosis 3. Last evaluated: 2025-05-19. Review status: criteria provided, single submitter. Criteria: Variantyx Assertion Criteria 2022. Collection method: clinical testing. Allele origin: germline. Inheritance: Autosomal recessive inheritance. Affected: yes.
Comment: This is a nonsynonymous variant in the CLN3 gene (OMIM: 607042). Pathogenic variants in this gene have been associated with autosomal recessive neuronal ceroid lipofuscinosis 3. (PMID:9004140;9311735). This variant has been identified in the homozygous and/or compound heterozygous state in the current proband and in two other unrelated affected individuals (Labcorp internal communication) (PM3_Strong). Multiple computational algorithms predict a deleterious effect for this variant (REVEL score: 0.954) (PP3), amd the variant has a 0.0015% maximum allele frequency in non-founder control populations (PM2). Based on the current evidence, this variant is classified as likely pathogenic for autosomal recessive neuronal ceroid lipofuscinosis 3.

Blueprint Genetics
Classification: Likely pathogenic for CLN3-related disorders. Last evaluated: 2024-07-24. Review status: criteria provided, single submitter. Criteria: ACMG Guidelines, 2015. Collection method: clinical testing. Allele origin: germline. Affected: yes. Observed: 2 variant alleles.

Labcorp Genetics (formerly Invitae), Labcorp
Classification: Uncertain significance for Neuronal ceroid lipofuscinosis. Last evaluated: 2022-08-19. Review status: criteria provided, single submitter. Criteria: Invitae Variant Classification Sherloc (09022015). Collection method: clinical testing. Allele origin: germline.
Comment: This sequence change replaces methionine, which is neutral and non-polar, with lysine, which is basic and polar, at codon 216 of the CLN3 protein (p.Met216Lys). This variant is present in population databases (rs773602052, gnomAD 0.003%). This missense change has been observed in individual(s) with retinitis pigmentosa (Invitae). In at least one individual the data is consistent with being in trans (on the opposite chromosome) from a pathogenic variant. ClinVar contains an entry for this variant (Variation ID: 1004067). Algorithms developed to predict the effect of missense changes on protein structure and function are either unavailable or do not agree on the potential impact of this missense change (SIFT: "Deleterious"; PolyPhen-2: "Probably Damaging"; Align-GVGD: "Class C0"). In summary, the available evidence is currently insufficient to determine the role of this variant in disease. Therefore, it has been classified as a Variant of Uncertain Significance.

Literature cited by the submitters: PubMed 38219857 (cited by Myriad Genetics, Inc.); PubMed 9004140 (cited by Variantyx, Inc.); PubMed 9311735 (cited by Variantyx, Inc.).